The following is an entry in ClinVar:

NM_000051.4(ATM):c.3932A>G (p.Gln1311Arg)

Gene: ATM (ATM serine/threonine kinase; plus strand). Cytogenetic location: 11q22.3.
Variant type: single nucleotide variant.
Coding change: c.3932A>G on transcript NM_000051.4 (MANE Select); coding-DNA position 3932, A replaced by G.
Protein change: p.Gln1311Arg; replaces glutamine 1311 with arginine.
Molecular consequence: missense variant.
Genome position (GRCh38, 1-based): chr11:108,284,412, A>G. VCF-style: chr11-108284412-A-G. GRCh37 (hg19) VCF-style: chr11-108155139-A-G.
Other names: c.3932A>G, p.Gln1311Arg (NM_001351834.2); short protein forms Q1311R.
Identifiers: ClinVar variation 1721301 (VCV001721301.5), dbSNP rs2135708785, ClinGen allele CA382525901.

ClinVar aggregate classification (germline): Uncertain significance (1 of 4 stars; one submission).

Conditions:
Ataxia-telangiectasia syndrome (AT). Also called: Ataxia-telangiectasia, complementation group D; Ataxia telangiectasia (A-T); ATAXIA-TELANGIECTASIA, COMPLEMENTATION GROUP A; LOUIS-BAR SYNDROME; Cerebello-oculocutaneous telangiectasia; Immunodeficiency with ataxia telangiectasia. Identifiers: Orphanet 100, MedGen C0004135, MONDO:0008840, OMIM 208900.

Submission:

Labcorp Genetics (formerly Invitae), Labcorp
Classification: Uncertain significance for Ataxia-telangiectasia syndrome. Last evaluated: 2022-10-08. Review status: criteria provided, single submitter. Criteria: Invitae Variant Classification Sherloc (09022015). Collection method: clinical testing. Allele origin: germline.
Comment: Algorithms developed to predict the effect of missense changes on protein structure and function output the following: SIFT: "Tolerated"; PolyPhen-2: "Benign"; Align-GVGD: "Class C0". The arginine amino acid residue is found in multiple mammalian species, which suggests that this missense change does not adversely affect protein function. In summary, the available evidence is currently insufficient to determine the role of this variant in disease. Therefore, it has been classified as a Variant of Uncertain Significance. This variant has not been reported in the literature in individuals affected with ATM-related conditions. This variant is not present in population databases (gnomAD no frequency). This sequence change replaces glutamine, which is neutral and polar, with arginine, which is basic and polar, at codon 1311 of the ATM protein (p.Gln1311Arg).